The following is an entry in ClinVar:

ClinVar aggregate classification (germline): Benign. Review status: criteria provided, multiple submitters, no conflicts (2 of 4 stars). 3 submissions from 3 submitters: Benign (2). 1 of the submissions does not count toward it. Last evaluated 2018-05-02.

Conditions:
RECQL5-related disorder. Also called: RECQL5-related condition.

Allele frequency attached by ClinVar (database versions not stated): 1000 Genomes Project 0.00040; 1000 Genomes Project 30x 0.00047; TOPMed 0.00218; gnomAD 0.00296 and 0.00307; ESP Exome Variant Server 0.00306; gnomAD exomes 0.00416; ExAC 0.00785.
gnomAD v4.1: 6,730 of 1,609,356 alleles (0.42%); highest among the groups gnomAD compares: Non-Finnish European, 0.49%; 20 homozygotes.

Submissions (3):

Labcorp Genetics (formerly Invitae), Labcorp
Classification: Benign. Last evaluated: 2018-05-02. Review status: criteria provided, single submitter. Criteria: Invitae Variant Classification Sherloc (09022015). Collection method: clinical testing. Allele origin: germline.

Breakthrough Genomics
Classification: Benign. Review status: criteria provided, single submitter. Criteria: ACMG Guidelines, 2015. Collection method: not provided. Allele origin: germline. Inheritance: Unknown mechanism. Affected: yes.

PreventionGenetics, part of Exact Sciences
Classification: Benign for RECQL5-related condition. Last evaluated: 2019-11-16. Review status: no assertion criteria provided. Collection method: clinical testing. Allele origin: germline. Not counted in ClinVar's aggregate classification.
Comment: This variant is classified as benign based on ACMG/AMP sequence variant interpretation guidelines (Richards et al. 2015 PMID: 25741868, with internal and published modifications).

NM_004259.7(RECQL5):c.2828G>A (p.Arg943His)

Gene: RECQL5 (RecQ like helicase 5; minus strand). Cytogenetic location: 17q25.1.
Variant type: single nucleotide variant.
Coding change: c.2828G>A on transcript NM_004259.7 (MANE Select); coding-DNA position 2828, G replaced by A.
Protein change: p.Arg943His; replaces arginine 943 with histidine.
Molecular consequence: missense variant.
Genome position (GRCh38, 1-based): chr17:75,627,670, C>T on the plus strand (G>A on the coding strand, the complement: RECQL5 is on the minus strand). VCF-style: chr17-75627670-C-T. GRCh37 (hg19) VCF-style: chr17-73623750-C-T.
Other names: short protein forms R943H.
Identifiers: ClinVar variation 719399 (VCV000719399.6), dbSNP rs200535477, ClinGen allele CA8766910.